The following is an entry in ClinVar:

NM_002667.5(PLN):c.154C>A (p.Leu52Ile)

Genes: CEP85L (centrosomal protein 85L; minus strand), PLN (phospholamban; plus strand). Cytogenetic location: 6q22.31.
Variant type: single nucleotide variant.
Coding change: c.154C>A on transcript NM_002667.5 (MANE Select); coding-DNA position 154, C replaced by A.
Protein change: p.Leu52Ile; replaces leucine 52 with isoleucine.
Molecular consequence: missense variant. On other transcripts: intron variant (3).
Genome position (GRCh38, 1-based): chr6:118,559,075, C>A. VCF-style: chr6-118559075-C-A. GRCh37 (hg19) VCF-style: chr6-118880238-C-A.
Other names: c.1029+6454G>T (NM_001178035.2); c.1020+6454G>T (NM_001042475.3, NM_206921.3); short protein forms L52I.
Identifiers: ClinVar variation 1059005 (VCV001059005.12), dbSNP rs2114970391, ClinGen allele CA365546796.
Genomic context (GRCh38, chr6:118,559,075, plus strand): 5'-TTTATCAATTTCTGTCTCATCTTAATATGTCTCTTGCTGATCTGTATCATCGTGATGCTT[C>A]TCTGAAGTTCTGCTACAACCTCTAGATCTGCAGCTTGCCACATCAGCTTAAAATCTGTCA-3'
Protein context (NP_002658.1, residues 42-52): LLLICIIVML[Leu52Ile]

ClinVar aggregate classification (germline): Uncertain significance. Review status: criteria provided, multiple submitters, no conflicts (2 of 4 stars). 2 submissions from 2 submitters: Uncertain significance (2). Last evaluated 2025-08-25.

Conditions:
Cardiovascular phenotype. Identifiers: MedGen CN230736.
Dilated cardiomyopathy 1P (CMD1P). Identifiers: Orphanet 154, MedGen C1835928, MONDO:0012362, OMIM 609909.

Allele frequency attached by ClinVar (database versions not stated): gnomAD exomes below 0.00001.
gnomAD v4.1: 5 of 1,610,016 alleles (0.00031%); highest among the groups gnomAD compares: Non-Finnish European, 0.00043%; no homozygotes.

Submissions (2):

Labcorp Genetics (formerly Invitae), Labcorp
Classification: Uncertain significance for Dilated cardiomyopathy 1P. Last evaluated: 2025-08-25. Review status: criteria provided, single submitter. Criteria: Invitae Variant Classification Sherloc (09022015). Collection method: clinical testing. Allele origin: germline.
Comment: This sequence change replaces leucine, which is neutral and non-polar, with isoleucine, which is neutral and non-polar, at codon 52 of the PLN protein (p.Leu52Ile). This variant is not present in population databases (gnomAD no frequency). This variant has not been reported in the literature in individuals affected with PLN-related conditions. ClinVar contains an entry for this variant (Variation ID: 1059005). An algorithm developed to predict the effect of missense changes on protein structure and function (PolyPhen-2) suggests that this variant is likely to be disruptive. In summary, the available evidence is currently insufficient to determine the role of this variant in disease. Therefore, it has been classified as a Variant of Uncertain Significance.

Ambry Genetics
Classification: Uncertain significance for Cardiovascular phenotype. Last evaluated: 2024-05-14. Review status: criteria provided, single submitter. Criteria: Ambry Variant Classification Scheme 2023. Collection method: clinical testing. Allele origin: germline.